The following is an entry in ClinVar:

ClinVar aggregate classification (germline): Likely benign. Review status: criteria provided, multiple submitters, no conflicts (2 of 4 stars). 2 submissions from 2 submitters: Likely benign (2). Last evaluated 2025-10-29.

Conditions:
Maple syrup urine disease (MSUD). Identifiers: Orphanet 511, MedGen C0024776, MeSH D008375, MONDO:0009563. Disease mechanism: loss of function.

Submissions (2):

Labcorp Genetics (formerly Invitae), Labcorp
Classification: Likely benign for Maple syrup urine disease. Last evaluated: 2025-10-29. Review status: criteria provided, single submitter. Criteria: Invitae Variant Classification Sherloc (09022015). Collection method: clinical testing. Allele origin: germline.

GeneDx
Classification: Likely benign. Last evaluated: 2018-01-22. Review status: criteria provided, single submitter. Criteria: GeneDx Variant Classification (06012015). Collection method: clinical testing. Allele origin: germline. Affected: yes.
Comment: This variant is considered likely benign or benign based on one or more of the following criteria: it is a conservative change, it occurs at a poorly conserved position in the protein, it is predicted to be benign by multiple in silico algorithms, and/or has population frequency not consistent with disease.

NM_000709.4(BCKDHA):c.853+11T>C

Gene: BCKDHA (branched chain keto acid dehydrogenase E1 subunit alpha; plus strand). Cytogenetic location: 19q13.2.
Variant type: single nucleotide variant.
Coding change: c.853+11T>C on transcript NM_000709.4 (MANE Select); 11 bases into the intron after coding-DNA position 853, T replaced by C.
Molecular consequence: intron variant.
Genome position (GRCh38, 1-based): chr19:41,422,381, T>C. VCF-style: chr19-41422381-T-C. GRCh37 (hg19) VCF-style: chr19-41928286-T-C.
Other names: c.853+11T>C (NM_001164783.2).
Identifiers: ClinVar variation 514608 (VCV000514608.4), dbSNP rs1555767032, ClinGen allele CA658799239.